The following is an entry in ClinVar:

ClinVar aggregate classification (germline): Benign/Likely benign. Review status: criteria provided, multiple submitters, no conflicts (2 of 4 stars). 18 submissions from 17 submitters: Benign (13); Likely benign (5). Last evaluated 2026-05-19.

Conditions:
NF1-related disorder. Also called: NF1-related condition. Identifiers: MedGen CN379171.
Hereditary cancer-predisposing syndrome. Also called: Tumor predisposition; Neoplastic Syndromes, Hereditary; Hereditary Cancer Syndrome; Hereditary neoplastic syndrome. Identifiers: Orphanet 140162, MedGen C0027672, MeSH D009386, MONDO:0015356.
Neurofibromatosis, familial spinal (FSNF). Identifiers: Orphanet 636, MedGen C1834235, MONDO:0008078, OMIM 162210. Disease mechanism: loss of function.
Neurofibromatosis, type 1 (NF1). Also called: Peripheral type neurofibromatosis; Neurofibromatosis, type I; NEUROFIBROMATOSIS, TYPE I, SOMATIC; VON RECKLINGHAUSEN DISEASE. Identifiers: Orphanet 636, MedGen C0027831, MONDO:0018975, OMIM 162200. Disease mechanism: loss of function.

Allele frequency attached by ClinVar (database versions not stated): gnomAD exomes 0.00021 and 0.00060; 1000 Genomes Project 30x 0.00187; 1000 Genomes Project 0.00220; gnomAD 0.00220 and 0.00238; TOPMed 0.00271; ESP Exome Variant Server 0.00292; ExAC 0.00075.
gnomAD v4.1: 648 of 1,613,968 alleles (0.04%); highest among the groups gnomAD compares: African/African-American, 0.77%; 2 homozygotes.

Submissions (18):

Myriad Genetics, Inc.
Classification: Benign for Neurofibromatosis, type 1. Last evaluated: 2026-05-19. Review status: criteria provided, single submitter. Criteria: Myriad Autosomal Dominant, Autosomal Recessive and X-Linked Classification Criteria (2023). Collection method: clinical testing. Allele origin: unknown.
Comment: This variant is considered benign. This variant is a silent/synonymous amino acid change and it is not expected to impact splicing.

PreventionGenetics, part of Exact Sciences
Classification: Benign for NF1-related condition. Last evaluated: 2026-04-02. Review status: criteria provided, single submitter. Criteria: ACMG Guidelines, 2015. Collection method: clinical testing. Allele origin: germline.
Comment: This variant is classified as benign based on ACMG/AMP sequence variant interpretation guidelines (Richards et al. 2015 PMID: 25741868, with internal and published modifications).

Labcorp Genetics (formerly Invitae), Labcorp
Classification: Benign for Neurofibromatosis, type 1. Last evaluated: 2026-02-03. Review status: criteria provided, single submitter. Criteria: Invitae Variant Classification Sherloc (09022015). Collection method: clinical testing. Allele origin: germline.

CeGaT Center for Human Genetics Tuebingen
Classification: Likely benign. Last evaluated: 2025-10-01. Review status: criteria provided, single submitter. Criteria: CeGaT Center For Human Genetics Tuebingen Variant Classification Criteria Version 2. Collection method: clinical testing. Allele origin: germline. Affected: yes. Observed: 3 variant alleles.
Comment: NF1: BP4, BS1

Institute for Biomarker Research, Medical Diagnostic Laboratories, L.L.C.
Classification: Benign for Hereditary cancer-predisposing syndrome. Last evaluated: 2025-03-20. Review status: criteria provided, single submitter. Criteria: ACMG Guidelines, 2015. Collection method: clinical testing. Allele origin: germline.
Comment: The synonymous variant NM_000267.3(NF1):c.4206A>G (p.Glu1402=) has been reported to ClinVar as Benign/Likely benign with a status of (2 stars) criteria provided, multiple submitters, no conflicts. The p.Glu1402= variant is not predicted to disrupt an existing splice site. The p.Glu1402= variant is predicted to introduce a novel splice site by 1 of 4 splice site algorithms. For these reasons, this variant has been classified as Benign

ARUP Laboratories, Molecular Genetics and Genomics, ARUP Laboratories
Classification: Benign. Last evaluated: 2025-02-10. Review status: criteria provided, single submitter. Criteria: ARUP Molecular Germline Variant Investigation Process 2024. Collection method: clinical testing. Allele origin: germline.

KCCC/NGS Laboratory, Kuwait Cancer Control Center
Classification: Benign for Neurofibromatosis, type 1. Last evaluated: 2025-02-01. Review status: criteria provided, single submitter. Criteria: ACMG Guidelines, 2015. Collection method: clinical testing. Allele origin: germline. Affected: no.

Blueprint Genetics
Classification: Likely benign. Last evaluated: 2024-11-22. Review status: criteria provided, single submitter. Criteria: ACMG Guidelines, 2015. Collection method: clinical testing. Allele origin: germline.

KCCC/NGS Laboratory, Kuwait Cancer Control Center
Classification: Benign for Neurofibromatosis, familial spinal. Last evaluated: 2023-07-07. Review status: criteria provided, single submitter. Criteria: ACMG Guidelines, 2015. Collection method: clinical testing. Allele origin: germline. Affected: yes.

Genome-Nilou Lab
Classification: Likely benign for Neurofibromatosis, type 1. Last evaluated: 2022-03-15. Review status: criteria provided, single submitter. Criteria: ACMG Guidelines, 2015. Collection method: clinical testing. Allele origin: germline. Affected: no.

GeneDx
Classification: Likely benign. Last evaluated: 2021-05-24. Review status: criteria provided, single submitter. Criteria: GeneDx Variant Classification Process June 2021. Collection method: clinical testing. Allele origin: germline. Affected: yes.
Comment: This variant is associated with the following publications: (PMID: 17311297, 16380919)

Sema4
Classification: Benign for Hereditary cancer-predisposing syndrome. Last evaluated: 2020-12-07. Review status: criteria provided, single submitter. Criteria: Sema4 Curation Guidelines. Collection method: curation. Allele origin: germline.

Genetic Services Laboratory, University of Chicago
Classification: Benign. Last evaluated: 2019-07-25. Review status: criteria provided, single submitter. Criteria: ACMG Guidelines, 2015. Collection method: clinical testing. Allele origin: germline. Affected: no.

Athena Diagnostics
Classification: Benign. Last evaluated: 2019-03-30. Review status: criteria provided, single submitter. Criteria: Athena Diagnostics Criteria. Collection method: clinical testing. Allele origin: germline.

Quest Diagnostics Nichols Institute San Juan Capistrano
Classification: Benign. Last evaluated: 2019-03-30. Review status: criteria provided, single submitter. Criteria: Quest Diagnostics criteria. Collection method: clinical testing. Allele origin: unknown.

Women's Health and Genetics/Laboratory Corporation of America, LabCorp
Classification: Benign. Last evaluated: 2018-01-02. Review status: criteria provided, single submitter. Criteria: LabCorp Variant Classification Summary - May 2015. Collection method: clinical testing. Allele origin: germline.
Comment: Variant summary: The NF1 c.4206A>G (p.Glu1402Glu) variant involves the alteration of a conserved nucleotide located in the Ras GTPase-activating protein domain (InterPro), resulting in a synonymous change. One in silico tool predicts a damaging outcome for this variant. 4/5 splice prediction tools predict no significant impact on normal splicing. ESE finder predicts that this variant may affect ESE sites. However, these predictions have yet to be confirmed by functional studies. This variant was found in 212/277040 control chromosomes, predominantly observed in the African subpopulation at a frequency of 0.008197 (197/24032). This frequency is about 39 times the estimated maximal expected allele frequency of a pathogenic NF1 variant (0.0002084), suggesting this is likely a benign polymorphism found primarily in the populations of African origin. This variant has been reported in one NF1 patient without strong evidence for causality (Wimmer_2007). In addition, multiple clinical diagnostic laboratories/reputable databases classified this variant as benign/likely benign. Taken together, this variant is classified as benign.

Laboratory for Molecular Medicine, Mass General Brigham Personalized Medicine
Classification: Benign. Last evaluated: 2014-11-24. Review status: criteria provided, single submitter. Criteria: LMM Criteria. Collection method: clinical testing. Allele origin: germline. Observed: 1 variant allele.
Comment: Glu1423Glu in exon 32 of NF1: This variant is not expected to have clinical sign ificance because it does not alter an amino acid residue and is not located with in the splice consensus sequence. It has been identified in 0.9% (38/4406) of Af rican American chromosomes from a broad population by the NHLBI Exome Sequencing Project (dbSNP rs17886566).

Ambry Genetics
Classification: Likely benign for Hereditary cancer-predisposing syndrome. Last evaluated: 2014-08-05. Review status: criteria provided, single submitter. Criteria: Ambry Autosomal Dominant and X-Linked criteria (10/2015). Collection method: clinical testing. Allele origin: germline. Observed: 1 variant allele.

Literature cited by the submitters: PubMed 17311297 (cited by 3 submitters).

NM_001042492.3(NF1):c.4269A>G (p.Glu1423=)

Gene: NF1 (neurofibromin 1; plus strand). Cytogenetic location: 17q11.2.
Variant type: single nucleotide variant.
Coding change: c.4269A>G on transcript NM_001042492.3 (MANE Select); coding-DNA position 4269, A replaced by G.
Protein change: p.Glu1423=; no amino-acid change (glutamic acid 1423 retained).
Molecular consequence: synonymous variant.
Genome position (GRCh38, 1-based): chr17:31,258,439, A>G. VCF-style: chr17-31258439-A-G. GRCh37 (hg19) VCF-style: chr17-29585457-A-G.
Other names: c.4206A>G, p.Glu1402= (NM_000267.4).
Identifiers: ClinVar variation 184231 (VCV000184231.59), dbSNP rs17886566, ClinGen allele CA188295.